The following is an entry in ClinVar:

NM_001701.4(BAAT):c.160G>A (p.Glu54Lys)

Gene: BAAT (bile acid-CoA:amino acid N-acyltransferase; minus strand). Cytogenetic location: 9q31.1.
Variant type: single nucleotide variant.
Coding change: c.160G>A on transcript NM_001701.4 (MANE Select); coding-DNA position 160, G replaced by A.
Protein change: p.Glu54Lys; replaces glutamic acid 54 with lysine.
Molecular consequence: missense variant.
Genome position (GRCh38, 1-based): chr9:101,371,245, C>T on the plus strand (G>A on the coding strand, the complement: BAAT is on the minus strand). VCF-style: chr9-101371245-C-T. GRCh37 (hg19) VCF-style: chr9-104133527-C-T.
Other names: c.160G>A, p.Glu54Lys (NM_001127610.2, NM_001374715.1); c.160G>A (NM_001701.3); short protein forms E54K.
Identifiers: ClinVar variation 596757 (VCV000596757.8), dbSNP rs755410933, ClinGen allele CA5160769.

ClinVar aggregate classification (germline): Uncertain significance. Review status: criteria provided, multiple submitters, no conflicts (2 of 4 stars). 3 submissions from 3 submitters: Uncertain significance (3). Last evaluated 2026-04-29.

Conditions:
BAAT-related disorder. Also called: BAAT-related condition.

Allele frequency attached by ClinVar (database versions not stated): gnomAD exomes 0.00004 and 0.00005; gnomAD 0.00005; ExAC 0.00007; TOPMed 0.00010.
gnomAD v4.1: 74 of 1,613,098 alleles (0.0046%); highest among the groups gnomAD compares: Middle Eastern, 0.12%; no homozygotes.

Submissions (3):

PreventionGenetics, part of Exact Sciences
Classification: Uncertain significance for BAAT-related condition. Last evaluated: 2026-04-29. Review status: criteria provided, single submitter. Criteria: ACMG Guidelines, 2015. Collection method: clinical testing. Allele origin: germline.
Comment: The BAAT c.160G>A variant is predicted to result in the amino acid substitution p.Glu54Lys. To our knowledge, this variant has not been reported in the literature. This variant is reported in 0.020% of alleles in individuals of Latino descent in gnomAD. At this time, the clinical significance of this variant is uncertain due to the absence of conclusive functional and genetic evidence.

Ambry Genetics
Classification: Uncertain significance. Last evaluated: 2023-11-27. Review status: criteria provided, single submitter. Criteria: Ambry Variant Classification Scheme 2023. Collection method: clinical testing. Allele origin: germline.

Eurofins Ntd Llc (ga)
Classification: Uncertain significance. Last evaluated: 2018-04-03. Review status: criteria provided, single submitter. Criteria: EGL ClinVar v180209 classification definitions. Collection method: clinical testing. Allele origin: germline. Observed: 2 variant alleles, 2 heterozygotes.